The following is an entry in ClinVar:

ClinVar aggregate classification (germline): Uncertain significance. Review status: criteria provided, multiple submitters, no conflicts (2 of 4 stars). 3 submissions from 3 submitters: Uncertain significance (3). Last evaluated 2025-12-04.

Conditions:
Inborn genetic diseases. Identifiers: MedGen C0950123, MeSH D030342.

Allele frequency attached by ClinVar (database versions not stated): gnomAD exomes 0.00001 and 0.00005; gnomAD 0.00004; TOPMed 0.00004; ExAC 0.00008; ESP Exome Variant Server 0.00017.
gnomAD v4.1: 27 of 1,612,308 alleles (0.0017%); highest among the groups gnomAD compares: Non-Finnish European, 0.002%; no homozygotes.

Submissions (3):

Ambry Genetics
Classification: Uncertain significance for Inborn genetic diseases. Last evaluated: 2025-12-04. Review status: criteria provided, single submitter. Criteria: Ambry Variant Classification Scheme 2023. Collection method: clinical testing. Allele origin: germline.

CeGaT Center for Human Genetics Tuebingen
Classification: Uncertain significance. Last evaluated: 2023-10-01. Review status: criteria provided, single submitter. Criteria: CeGaT Center For Human Genetics Tuebingen Variant Classification Criteria Version 2. Collection method: clinical testing. Allele origin: germline. Affected: yes. Observed: 1 variant allele.
Comment: PCLO: PM2, BP4

Labcorp Genetics (formerly Invitae), Labcorp
Classification: Uncertain significance. Last evaluated: 2022-08-03. Review status: criteria provided, single submitter. Criteria: Invitae Variant Classification Sherloc (09022015). Collection method: clinical testing. Allele origin: germline.
Comment: This sequence change replaces serine, which is neutral and polar, with glycine, which is neutral and non-polar, at codon 4474 of the PCLO protein (p.Ser4474Gly). This variant is present in population databases (rs199523407, gnomAD 0.01%). This variant has not been reported in the literature in individuals affected with PCLO-related conditions. ClinVar contains an entry for this variant (Variation ID: 1440525). Algorithms developed to predict the effect of missense changes on protein structure and function are either unavailable or do not agree on the potential impact of this missense change (SIFT: "Deleterious"; PolyPhen-2: "Not Available"; Align-GVGD: "Class C0"). In summary, the available evidence is currently insufficient to determine the role of this variant in disease. Therefore, it has been classified as a Variant of Uncertain Significance.

NM_033026.6(PCLO):c.13420A>G (p.Ser4474Gly)

Gene: PCLO (piccolo presynaptic cytomatrix protein; minus strand). Cytogenetic location: 7q21.11.
Variant type: single nucleotide variant.
Coding change: c.13420A>G on transcript NM_033026.6 (MANE Select); coding-DNA position 13420, A replaced by G.
Protein change: p.Ser4474Gly; replaces serine 4474 with glycine.
Molecular consequence: missense variant.
Genome position (GRCh38, 1-based): chr7:82,908,894, T>C on the plus strand (A>G on the coding strand, the complement: PCLO is on the minus strand). VCF-style: chr7-82908894-T-C. GRCh37 (hg19) VCF-style: chr7-82538210-T-C.
Other names: c.13420A>G, p.Ser4474Gly (NM_014510.3); c.13420A>G (NM_033026.5); short protein forms S4474G.
Identifiers: ClinVar variation 1440525 (VCV001440525.26), dbSNP rs199523407, ClinGen allele CA4319172.
Genomic context (GRCh38, chr7:82,908,894, plus strand): 5'-TTTTTTGATAAATCTAAAAGAAATTGCTAAATATAGCACTTACTTGCTCTTGATGTTGAC[T>C]GAGTGGTCTAGAGTGGACCAATCTTTCCGGCAGTTTTCGGTCCAGACCATGTCCATTTTC-3'
Protein context (NP_149015.2, residues 4464-4484): PERLVHSRPL[Ser4474Gly]QHQEQIIQMN